The following is an entry in ClinVar:

ClinVar aggregate classification (germline): Likely pathogenic (1 of 4 stars; one submission).

Submission:

GeneDx
Classification: Likely pathogenic. Last evaluated: 2020-01-09. Review status: criteria provided, single submitter. Criteria: GeneDx Variant Classification Process June 2021. Collection method: clinical testing. Allele origin: germline. Affected: yes.
Comment: Not observed in large population cohorts (Lek et al., 2016); Published functional studies suggest a damaging effect (Koller et al., 1996); In silico analysis, which includes protein predictors and evolutionary conservation, supports a deleterious effect; This variant is associated with the following publications: (PMID: 8789260)

NM_006013.5(RPL10):c.482G>A (p.Gly161Asp)

Gene: RPL10 (ribosomal protein L10; plus strand). Cytogenetic location: Xq28.
Variant type: single nucleotide variant.
Coding change: c.482G>A on transcript NM_006013.5 (MANE Select); coding-DNA position 482, G replaced by A.
Protein change: p.Gly161Asp; replaces glycine 161 with aspartic acid.
Molecular consequence: missense variant. On other transcripts: 3 prime UTR variant (1), intron variant (1).
Genome position (GRCh38, 1-based): chrX:154,400,616, G>A. VCF-style: chrX-154400616-G-A. GRCh37 (hg19) VCF-style: chrX-153628957-G-A.
Other names: c.374G>A, p.Gly125Asp (NM_001256580.2); c.482G>A, p.Gly161Asp (NM_001303624.2, NM_001303625.1); c.*33G>A (NM_001303626.1); c.330-86G>A (NM_001256577.2); short protein forms G125D, G161D.
Identifiers: ClinVar variation 1211088 (VCV001211088.3), dbSNP rs2148140779, ClinGen allele CA415261777.